The following is an entry in ClinVar:

NM_003640.5(ELP1):c.2956dup (p.Gln986fs)

Gene: ELP1 (elongator acetyltransferase complex subunit 1; minus strand). Cytogenetic location: 9q31.3.
Variant type: Duplication.
Coding change: c.2956dup on transcript NM_003640.5 (MANE Select); coding-DNA position 2956, one base duplicated (C; older notation c.2956dupC).
Protein change: p.Gln986fs; shifts the reading frame from glutamine 986.
Molecular consequence: frameshift variant.
Genome position (GRCh38, 1-based): chr9:108,892,988, G duplicated on the plus strand (C on the coding strand, the reverse complement: ELP1 is on the minus strand); the first of 2 consecutive G bases (chr9:108,892,988-108,892,989); duplicating either gives the same sequence. VCF-style (leftmost placement, unchanged base first): chr9-108892987-T-TG. GRCh37 (hg19) VCF-style: chr9-111655267-T-TG.
Other names: c.2614dup, p.Gln872fs (NM_001318360.2); c.1909dup, p.Gln637fs (NM_001330749.2); short protein forms Q637fs, Q872fs, Q986fs.
Identifiers: ClinVar variation 4815213 (VCV004815213.1).

ClinVar aggregate classification (germline): Likely pathogenic (1 of 4 stars; one submission).

Conditions:
Familial dysautonomia. Also called: HSAN III; FD. Identifiers: Orphanet 1764, MedGen C0013364, MONDO:0009131, OMIM 223900. Disease mechanism: loss of function.

Submission:

Natera, Inc.
Classification: Likely pathogenic for Familial dysautonomia. Last evaluated: 2024-10-09. Review status: criteria provided, single submitter. Criteria: Natera Variant Classification Schema (03/2026). Collection method: clinical testing. Allele origin: germline.
Comment: The c.2956dup variant in ELP1 is a frameshift variant predicted to shift the reading frame beginning at codon 986 and leads to a stop codon 18 codons downstream. This variant is expected to result in nonsense mediated decay, truncation, or a dysfunctional protein product. This variant is rare in the general population with a frequency below the threshold expected for the associated phenotype(s). Given the available evidence, this variant is classified as Likely Pathogenic.